The following is an entry in ClinVar:

NM_182746.3(MCM4):c.*71C>A

Gene: MCM4 (minichromosome maintenance complex component 4; plus strand). Cytogenetic location: 8q11.21.
Variant type: single nucleotide variant.
Coding change: c.*71C>A on transcript NM_182746.3 (MANE Select); 71 bases downstream of the stop codon, C replaced by A.
Molecular consequence: 3 prime UTR variant.
Genome position (GRCh38, 1-based): chr8:47,976,849, C>A. VCF-style: chr8-47976849-C-A. GRCh37 (hg19) VCF-style: chr8-48889409-C-A.
Other names: c.*71C>A (LRG_1239t1, NM_005914.4).
Identifiers: ClinVar variation 363239 (VCV000363239.6), dbSNP rs17334535, ClinGen allele CA10627956.

ClinVar aggregate classification (germline): Benign. Review status: criteria provided, multiple submitters, no conflicts (2 of 4 stars). 2 submissions from 2 submitters: Benign (2). Last evaluated 2018-01-12.

Conditions:
Primary immunodeficiency with natural-killer cell deficiency and adrenal insufficiency (IMD54). Also called: Natural killer cell and glucocorticoid deficiency with DNA repair defect; IMMUNODEFICIENCY 54. Identifiers: Orphanet 75391, MedGen C1864947, MONDO:0012383, OMIM 609981.

Allele frequency attached by ClinVar (database versions not stated): 1000 Genomes Project 0.02436; 1000 Genomes Project 30x 0.02436; gnomAD 0.03367 and 0.03423; TOPMed 0.03589; gnomAD exomes 0.04562.
gnomAD v4.1: 42,690 of 970,210 alleles (4.4%); highest among the groups gnomAD compares: Middle Eastern, 6.4%; 1,150 homozygotes.

Submissions (2):

Illumina Laboratory Services, Illumina
Classification: Benign for Primary immunodeficiency with natural-killer cell deficiency and adrenal insufficiency. Last evaluated: 2018-01-12. Review status: criteria provided, single submitter. Criteria: ICSL Variant Classification Criteria 13 December 2019. Collection method: clinical testing. Allele origin: germline.
Comment: This variant was observed in the ICSL laboratory as part of a predisposition screen in an ostensibly healthy population. It had not been previously curated by ICSL or reported in the Human Gene Mutation Database (HGMD: prior to June 1st, 2018), and was therefore a candidate for classification through an automated scoring system. Utilizing variant allele frequency, disease prevalence and penetrance estimates, and inheritance mode, an automated score was calculated to assess if this variant is too frequent to cause the disease. Based on the score and internal cut-off values, a variant classified as benign is not then subjected to further curation. The score for this variant resulted in a classification of benign for this disease.

Breakthrough Genomics
Classification: Benign. Review status: criteria provided, single submitter. Criteria: ACMG Guidelines, 2015. Collection method: not provided. Allele origin: germline. Inheritance: Autosomal recessive inheritance. Affected: yes.